The following is an entry in ClinVar:

NM_020778.5(ALPK3):c.646_647delinsGC (p.Leu216Ala)

Gene: ALPK3 (alpha kinase 3; plus strand). Cytogenetic location: 15q25.3.
Variant type: Indel.
Coding change: c.646_647delinsGC on transcript NM_020778.5 (MANE Select); coding-DNA positions 646 to 647, CT replaced by GC.
Protein change: p.Leu216Ala; replaces leucine 216 with alanine.
Molecular consequence: missense variant.
Genome position (GRCh38, 1-based): chr15:84,839,925-84,839,926, CT replaced by GC. VCF-style: chr15-84839925-CT-GC. GRCh37 (hg19) VCF-style: chr15-85383156-CT-GC.
Other names: short protein forms L216A.
Identifiers: ClinVar variation 2563949 (VCV002563949.3), dbSNP rs2505705180, ClinGen allele CA2580613304.
Genomic context (GRCh38, chr15:84,839,925, plus strand): 5'-ATCGAGCAGAGCTGGAAGCACGAGAAGGCGGTGCCTGGGGAGGTCGACACTCTGCGCAAG[CT>GC]CAGCCCCGACCGCTTCCAGCGAAAGCGGCGATTGAGCGGGGCTCAAGCGCCGGGCCCCTC-3'
Protein context (NP_065829.4, residues 206-226): VPGEVDTLRK[Leu216Ala]SPDRFQRKRR

ClinVar aggregate classification (germline): Uncertain significance. Review status: criteria provided, multiple submitters, no conflicts (2 of 4 stars). 2 submissions from 2 submitters: Uncertain significance (2). Last evaluated 2025-11-25.

Conditions:
Cardiovascular phenotype. Identifiers: MedGen CN230736.

Submissions (2):

Labcorp Genetics (formerly Invitae), Labcorp
Classification: Uncertain significance. Last evaluated: 2025-11-25. Review status: criteria provided, single submitter. Criteria: Invitae Variant Classification Sherloc (09022015). Collection method: clinical testing. Allele origin: germline.
Comment: This sequence change replaces leucine, which is neutral and non-polar, with alanine, which is neutral and non-polar, at codon 418 of the ALPK3 protein (p.Leu418Ala). This variant is present in population databases (no rsID available, gnomAD 0.002%). This variant has not been reported in the literature in individuals affected with ALPK3-related conditions. ClinVar contains an entry for this variant (Variation ID: 2563949). An algorithm developed to predict the effect of missense changes on protein structure and function (PolyPhen-2) suggests that this variant is likely to be disruptive. In summary, the available evidence is currently insufficient to determine the role of this variant in disease. Therefore, it has been classified as a Variant of Uncertain Significance.

Ambry Genetics
Classification: Uncertain significance for Cardiovascular phenotype. Last evaluated: 2023-05-09. Review status: criteria provided, single submitter. Criteria: Ambry Variant Classification Scheme 2023. Collection method: clinical testing. Allele origin: germline.
Comment: The c.1252_1253delCTinsGC variant, located in coding exon 5 of the ALPK3 gene, results from an in-frame deletion of CT and insertion of GC at nucleotide positions 1252 to 1253. This results in the substitution of the leucine residue for an alanine residue at codon 418, an amino acid with similar properties. This amino acid position is not well conserved in available vertebrate species. In addition, this alteration is predicted to be neutral by in silico analysis (Choi Y et al. PLoS ONE. 2012; 7(10):e46688). Since supporting evidence is limited at this time, the clinical significance of this alteration remains unclear.